The following is an entry in ClinVar:

ClinVar aggregate classification (germline): Uncertain significance (1 of 4 stars; one submission).

Conditions:
Sulfite oxidase deficiency due to molybdenum cofactor deficiency type C. Also called: Molybdenum cofactor deficiency, complementation group C; Molybdenum cofactor deficiency C. Identifiers: Orphanet 308400, Orphanet 833, MedGen C1854990, MONDO:0014212, OMIM 615501.

Submission:

Labcorp Genetics (formerly Invitae), Labcorp
Classification: Uncertain significance for Sulfite oxidase deficiency due to molybdenum cofactor deficiency type C. Last evaluated: 2022-04-11. Review status: criteria provided, single submitter. Criteria: Invitae Variant Classification Sherloc (09022015). Collection method: clinical testing. Allele origin: germline.
Comment: In summary, the available evidence is currently insufficient to determine the role of this variant in disease. Therefore, it has been classified as a Variant of Uncertain Significance. Algorithms developed to predict the effect of missense changes on protein structure and function are either unavailable or do not agree on the potential impact of this missense change (SIFT: "Deleterious"; PolyPhen-2: "Possibly Damaging"; Align-GVGD: "Class C0"). This variant has not been reported in the literature in individuals affected with GPHN-related conditions. This variant is not present in population databases (gnomAD no frequency). This sequence change replaces glycine, which is neutral and non-polar, with glutamic acid, which is acidic and polar, at codon 553 of the GPHN protein (p.Gly553Glu).

NM_020806.5(GPHN):c.1658G>A (p.Gly553Glu)

Gene: GPHN (gephyrin; plus strand). Cytogenetic location: 14q23.3.
Variant type: single nucleotide variant.
Coding change: c.1658G>A on transcript NM_020806.5 (MANE Select); coding-DNA position 1658, G replaced by A.
Protein change: p.Gly553Glu; replaces glycine 553 with glutamic acid.
Molecular consequence: missense variant.
Genome position (GRCh38, 1-based): chr14:67,122,287, G>A. VCF-style: chr14-67122287-G-A. GRCh37 (hg19) VCF-style: chr14-67589004-G-A.
Other names: c.1559G>A, p.Gly520Glu (NM_001024218.2); c.1718G>A, p.Gly573Glu (NM_001377514.1); c.1688G>A, p.Gly563Glu (NM_001377515.1); c.1679G>A, p.Gly560Glu (NM_001377516.1); c.1631G>A, p.Gly544Glu (NM_001377517.1); c.1616G>A, p.Gly539Glu (NM_001377518.1); c.1598G>A, p.Gly533Glu (NM_001377519.1); short protein forms G533E, G539E, G544E, G553E, G560E, G520E, G563E, G573E.
Identifiers: ClinVar variation 2124879 (VCV002124879.4), dbSNP rs2543524575, ClinGen allele CA390259105.